The following is an entry in ClinVar:

NM_198253.3(TERT):c.1274T>G (p.Val425Gly)

Gene: TERT (telomerase reverse transcriptase; minus strand). Cytogenetic location: 5p15.33.
Variant type: single nucleotide variant.
Coding change: c.1274T>G on transcript NM_198253.3 (MANE Select); coding-DNA position 1274, T replaced by G.
Protein change: p.Val425Gly; replaces valine 425 with glycine.
Molecular consequence: missense variant. On other transcripts: non-coding transcript variant (2).
Genome position (GRCh38, 1-based): chr5:1,293,612, A>C on the plus strand (T>G on the coding strand, the complement: TERT is on the minus strand). VCF-style: chr5-1293612-A-C. GRCh37 (hg19) VCF-style: chr5-1293727-A-C.
Other names: c.1274T>G, p.Val425Gly (NM_001193376.3); short protein forms V425G.
Identifiers: ClinVar variation 4865466 (VCV004865466.1).

ClinVar aggregate classification (germline): Uncertain significance (1 of 4 stars; one submission).

Conditions:
Dyskeratosis congenita. Identifiers: Orphanet 1775, MedGen C0265965, MONDO:0015780.

Submission:

Ambry Genetics
Classification: Uncertain significance for Dyskeratosis congenita. Last evaluated: 2026-04-16. Review status: criteria provided, single submitter. Criteria: Ambry Variant Classification Scheme 2023. Collection method: clinical testing. Allele origin: germline.
Comment: The p.V425G variant (also known as c.1274T>G), located in coding exon 2 of the TERT gene, results from a T to G substitution at nucleotide position 1274. The valine at codon 425 is replaced by glycine, an amino acid with dissimilar properties. This amino acid position is conserved. In addition, this alteration is predicted to be tolerated by in silico analysis. Based on the available evidence, the clinical significance of this variant remains unclear.